The following is an entry in ClinVar:

NM_018294.6(CWF19L1):c.1466_1467del (p.Phe489fs)

Gene: CWF19L1 (CWF19 like cell cycle control factor 1; minus strand). Cytogenetic location: 10q24.31.
Variant type: Deletion.
Coding change: c.1466_1467del on transcript NM_018294.6 (MANE Select); coding-DNA positions 1466 to 1467, 2 bases deleted (TT; older notation c.1466_1467delTT).
Protein change: p.Phe489fs; shifts the reading frame from phenylalanine 489.
Molecular consequence: frameshift variant.
Genome position (GRCh38, 1-based): chr10:100,235,672-100,235,673, AA deleted on the plus strand (TT on the coding strand, the reverse complement: CWF19L1 is on the minus strand); deleting any 2 consecutive bases within chr10:100,235,672-100,235,674 gives the same sequence; the c. name uses the placement nearest the transcript's 3' end. VCF-style (leftmost placement, unchanged base first): chr10-100235671-CAA-C. GRCh37 (hg19) VCF-style: chr10-101995428-CAA-C.
Other names: c.1346_1347del, p.Phe449fs (NM_001303404.2); c.1055_1056del, p.Phe352fs (NM_001303405.2, NM_001303406.2); c.731_732del, p.Phe244fs (NM_001303407.2); c.1466_1467delTT (NM_018294.4); short protein forms F489fs, F352fs, F244fs, F449fs.
Identifiers: ClinVar variation 504148 (VCV000504148.4), dbSNP rs1389916079, ClinGen allele CA658797527.
Genomic context (GRCh38, chr10:100,235,671, plus strand): 5'-ACCACTCTGTTCATAGCAGGTCTAGTGAAAATACATTGAAAAGAAGAAAAACATACCTTC[CAA>C]ACTGCAAAGGAAAATTCTTTTTAATTCTGTGGAAAAGCTTTTCTCCTGTGTCAAGTTCAA-3'

ClinVar aggregate classification (germline): Conflicting classifications of pathogenicity. Review status: criteria provided, conflicting classifications (1 of 4 stars). 2 submissions from 2 submitters: Likely pathogenic (1); Uncertain significance (1). Last evaluated 2022-10-17.

Conditions:
Inborn genetic diseases. Identifiers: MedGen C0950123, MeSH D030342.

Submissions (2):

Ambry Genetics
Classification: Uncertain significance for Inborn genetic diseases. Last evaluated: 2022-10-17. Review status: criteria provided, single submitter. Criteria: Ambry Variant Classification Scheme 2023. Collection method: clinical testing. Allele origin: germline.
Comment: Not expected to trigger nonsense-mediated mRNA decay Based on insufficient or conflicting evidence, the clinical significance of this alteration remains unclear.

GeneDx
Classification: Likely pathogenic. Last evaluated: 2018-01-17. Review status: criteria provided, single submitter. Criteria: GeneDx Variant Classification (06012015). Collection method: clinical testing. Allele origin: germline. Affected: yes.
Comment: The c.1466_1467delTT variant in the CWF19L1 gene has not been published as a pathogenic variant, nor has it been reported as a benign variant to our knowledge. The c.1466_1467delTT variant causes a frameshift starting with codon Phenylalanine 489, changes this amino acid to a Tryptophan residue, and creates a premature Stop codon at position 8 of the new reading frame, denoted p.Phe489TrpfsX8. This variant is predicted to cause loss of normal protein function through protein truncation, as the last 50 amino acids are replaced with 7 incorrect amino acids. Furthermore, the c.1466_1467delTT variant is not observed in large population cohorts (Lek et al., 2016). We interpret c.1466_1467delTT as a likely pathogenic variant.